The following is an entry in ClinVar:

NM_020117.11(LARS1):c.1511C>T (p.Ala504Val)

Gene: LARS1 (leucyl-tRNA synthetase 1; minus strand). Cytogenetic location: 5q32.
Variant type: single nucleotide variant.
Coding change: c.1511C>T on transcript NM_020117.11 (MANE Select); coding-DNA position 1511, C replaced by T.
Protein change: p.Ala504Val; replaces alanine 504 with valine.
Molecular consequence: missense variant.
Genome position (GRCh38, 1-based): chr5:146,144,702, G>A on the plus strand (C>T on the coding strand, the complement: LARS1 is on the minus strand). VCF-style: chr5-146144702-G-A. GRCh37 (hg19) VCF-style: chr5-145524265-G-A.
Other names: c.1373C>T, p.Ala458Val (NM_001317964.2); c.1349C>T, p.Ala450Val (NM_001317965.2); c.1430C>T, p.Ala477Val (NM_016460.4); short protein forms A450V, A458V, A477V, A504V.
Identifiers: ClinVar variation 4278564 (VCV004278564.1).
Genomic context (GRCh38, chr5:146,144,702, plus strand): 5'-ACAACACATTCATCTGACGACCTGGACATCACTTGTTTCTCTGGTTCCATGTAAATAAGT[G>A]CATCTCCCTAAAGGAAGGTAAATAAACATACATTAGATACTATGTCAAATCAATCTTCAT-3'
Protein context (NP_064502.9, residues 494-514): IQKKMIDAGD[Ala504Val]LIYMEPEKQV

ClinVar aggregate classification (germline): Uncertain significance (1 of 4 stars; one submission).

gnomAD v4.1: 22 of 1,613,050 alleles (0.0014%); highest among the groups gnomAD compares: Non-Finnish European, 0.000085%; no homozygotes.

Submission:

GeneDx
Classification: Uncertain significance. Last evaluated: 2025-04-01. Review status: criteria provided, single submitter. Criteria: GeneDx Variant Classification Process June 2021. Collection method: clinical testing. Allele origin: germline. Affected: yes.
Comment: In silico analysis supports that this missense variant has a deleterious effect on protein structure/function; This variant is associated with the following publications: (PMID: Brabbing-Goldstein2022[Abstract], 25917789)